The following is an entry in ClinVar:

ClinVar aggregate classification (germline): Uncertain significance (1 of 4 stars; one submission).

Submission:

Dasa
Classification: Uncertain significance. Last evaluated: 2026-02-10. Review status: criteria provided, single submitter. Criteria: DASA Assertion Criteria. Collection method: clinical testing. Allele origin: germline.
Comment: NM_017780.4(CHD7):c.1409A>G (p.Glu470Gly) is a missense variant that results in the substitution of glutamic acid with glycine. This variant is rare in population databases. The currently available literature and clinical evidence are not sufficient to establish a definitive association between this variant and the reported condition. Therefore, this variant is classified as a variant of uncertain significance.

NM_017780.4(CHD7):c.1409A>G (p.Glu470Gly)

Gene: CHD7 (chromodomain helicase DNA binding protein 7; plus strand). Cytogenetic location: 8q12.2.
Variant type: single nucleotide variant.
Coding change: c.1409A>G on transcript NM_017780.4 (MANE Select); coding-DNA position 1409, A replaced by G.
Protein change: p.Glu470Gly; replaces glutamic acid 470 with glycine.
Molecular consequence: missense variant.
Genome position (GRCh38, 1-based): chr8:60,742,841, A>G. VCF-style: chr8-60742841-A-G. GRCh37 (hg19) VCF-style: chr8-61655400-A-G.
Other names: c.1409A>G, p.Glu470Gly (NM_001316690.1); short protein forms E470G.
Identifiers: ClinVar variation 4885070 (VCV004885070.2).